The following is an entry in ClinVar:

NM_001851.6(COL9A1):c.1369G>A (p.Gly457Arg)

Gene: COL9A1 (collagen type IX alpha 1 chain; minus strand). Cytogenetic location: 6q13.
Variant type: single nucleotide variant.
Coding change: c.1369G>A on transcript NM_001851.6 (MANE Select); coding-DNA position 1369, G replaced by A.
Protein change: p.Gly457Arg; replaces glycine 457 with arginine.
Molecular consequence: missense variant. On other transcripts: non-coding transcript variant (1).
Genome position (GRCh38, 1-based): chr6:70,263,270, C>T on the plus strand (G>A on the coding strand, the complement: COL9A1 is on the minus strand). VCF-style: chr6-70263270-C-T. GRCh37 (hg19) VCF-style: chr6-70972973-C-T.
Other names: c.640G>A, p.Gly214Arg (NM_001377289.1, NM_001377290.1, NM_078485.4); short protein forms G214R, G457R.
Identifiers: ClinVar variation 853588 (VCV000853588.6), dbSNP rs148011193, ClinGen allele CA3882255.

ClinVar aggregate classification (germline): Uncertain significance (1 of 4 stars; one submission).

Allele frequency attached by ClinVar (database versions not stated): gnomAD exomes 0.00002 and 0.00003; TOPMed 0.00002; gnomAD 0.00003; ExAC 0.00005; ESP Exome Variant Server 0.00015.
gnomAD v4.1: 26 of 1,608,364 alleles (0.0016%); highest among the groups gnomAD compares: South Asian, 0.0056%; no homozygotes.

Submission:

Labcorp Genetics (formerly Invitae), Labcorp
Classification: Uncertain significance. Last evaluated: 2022-05-28. Review status: criteria provided, single submitter. Criteria: Invitae Variant Classification Sherloc (09022015). Collection method: clinical testing. Allele origin: germline.
Comment: This sequence change replaces glycine, which is neutral and non-polar, with arginine, which is basic and polar, at codon 457 of the COL9A1 protein (p.Gly457Arg). This variant is present in population databases (rs148011193, gnomAD 0.01%). This variant has not been reported in the literature in individuals affected with COL9A1-related conditions. ClinVar contains an entry for this variant (Variation ID: 853588). Advanced modeling of protein sequence and biophysical properties (such as structural, functional, and spatial information, amino acid conservation, physicochemical variation, residue mobility, and thermodynamic stability) performed at Invitae indicates that this missense variant is expected to disrupt COL9A1 protein function. In summary, the available evidence is currently insufficient to determine the role of this variant in disease. Therefore, it has been classified as a Variant of Uncertain Significance.